The following is an entry in ClinVar:

NM_002633.3(PGM1):c.91A>G (p.Ser31Gly)

Genes: PGM1 (phosphoglucomutase 1; plus strand), LOC129930668 (ATAC-STARR-seq lymphoblastoid active region 1127; plus strand). Cytogenetic location: 1p31.3.
Variant type: single nucleotide variant.
Coding change: c.91A>G on transcript NM_002633.3 (MANE Select); coding-DNA position 91, A replaced by G.
Protein change: p.Ser31Gly; replaces serine 31 with glycine.
Molecular consequence: missense variant.
Genome position (GRCh38, 1-based): chr1:63,593,579, A>G. VCF-style: chr1-63593579-A-G. GRCh37 (hg19) VCF-style: chr1-64059250-A-G.
Other names: short protein forms S31G.
Identifiers: ClinVar variation 1433470 (VCV001433470.6), dbSNP rs2100947698, ClinGen allele CA340639086.

ClinVar aggregate classification (germline): Uncertain significance (1 of 4 stars; one submission).

Conditions:
PGM1-congenital disorder of glycosylation. Also called: Congenital disorder of glycosylation type 1t; PHOSPHOGLUCOMUTASE 1 DEFICIENCY; PGM1 DEFICIENCY; GLYCOGEN STORAGE DISEASE XIV; GSD XIV; CDG It. Identifiers: Orphanet 319646, MedGen C2752015, MONDO:0013968, OMIM 614921.

gnomAD v4.1: 3 of 1,613,782 alleles (0.00019%); highest among the groups gnomAD compares: East Asian, 0.0022%; no homozygotes.

Submission:

Labcorp Genetics (formerly Invitae), Labcorp
Classification: Uncertain significance for PGM1-congenital disorder of glycosylation. Last evaluated: 2021-10-18. Review status: criteria provided, single submitter. Criteria: Invitae Variant Classification Sherloc (09022015). Collection method: clinical testing. Allele origin: germline.
Comment: In summary, the available evidence is currently insufficient to determine the role of this variant in disease. Therefore, it has been classified as a Variant of Uncertain Significance. Algorithms developed to predict the effect of missense changes on protein structure and function (SIFT, PolyPhen-2, Align-GVGD) all suggest that this variant is likely to be tolerated. This variant has not been reported in the literature in individuals affected with PGM1-related conditions. This variant is not present in population databases (ExAC no frequency). This sequence change replaces serine with glycine at codon 31 of the PGM1 protein (p.Ser31Gly). The serine residue is weakly conserved and there is a small physicochemical difference between serine and glycine.